The following is an entry in ClinVar:

ClinVar aggregate classification (germline): Uncertain significance. Review status: criteria provided, multiple submitters, no conflicts (2 of 4 stars). 9 submissions from 5 submitters: Uncertain significance (7). 2 of the submissions do not count toward it. Last evaluated 2022-05-03.

Conditions:
Leber congenital amaurosis (LCA). Also called: Leber's amaurosis. Identifiers: Orphanet 65, MedGen C0339527, MeSH D057130, MONDO:0018998.
CEP290-related disorder. Also called: CEP290-related condition; CEP290-related disorders. Identifiers: MedGen CN239314.
Leber congenital amaurosis 10 (LCA10). Identifiers: Orphanet 65, MedGen C1857821, MONDO:0012723, OMIM 611755.
Meckel syndrome, type 4 (MKS4). Also called: MECKEL-GRUBER SYNDROME, TYPE 4. Identifiers: Orphanet 564, MedGen C1970161, MONDO:0012626, OMIM 611134.
Senior-Loken syndrome 6 (SLSN6). Identifiers: Orphanet 3156, MedGen C1857779, MONDO:0012433, OMIM 610189.
Joubert syndrome 5 (JBTS5). Identifiers: Orphanet 2318, MedGen C1857780, MONDO:0012432, OMIM 610188.
Bardet-Biedl syndrome 14 (BBS14). Identifiers: Orphanet 110, MedGen C2673874, MONDO:0014442, OMIM 615991.
Meckel-Gruber syndrome. Also called: Dysencephalia splachnocystica; DYSENCEPHALIA SPLANCHNOCYSTICA; GRUBER SYNDROME. Identifiers: Orphanet 564, MedGen C0265215, MONDO:0018921.
Nephronophthisis. Also called: Juvenile Nephronophthisis. Identifiers: Orphanet 655, MedGen C0687120, MONDO:0019005, HP:0000090.
Joubert syndrome. Also called: Familial aplasia of the vermis; CEREBELLOPARENCHYMAL DISORDER IV; JOUBERT-BOLTSHAUSER SYNDROME. Identifiers: Orphanet 475, MedGen C5979921, MONDO:0018772.

Allele frequency attached by ClinVar (database versions not stated): ExAC 0.00001; gnomAD 0.00001 and 0.00003; gnomAD exomes 0.00001; 1000 Genomes Project 0.00040; 1000 Genomes Project 30x 0.00047.
gnomAD v4.1: 15 of 1,578,214 alleles (0.00095%); highest among the groups gnomAD compares: Middle Eastern, 0.11%; no homozygotes.

Submissions (9):

Fulgent Genetics
Classification: Uncertain significance for Joubert syndrome 5; Senior-Loken syndrome 6; Meckel syndrome, type 4; Leber congenital amaurosis 10; Bardet-Biedl syndrome 14. Last evaluated: 2022-05-03. Review status: criteria provided, single submitter. Criteria: ACMG Guidelines, 2015. Collection method: clinical testing. Allele origin: unknown.

Labcorp Genetics (formerly Invitae), Labcorp
Classification: Uncertain significance for Joubert syndrome; Meckel-Gruber syndrome; Nephronophthisis. Last evaluated: 2022-03-31. Review status: criteria provided, single submitter. Criteria: Invitae Variant Classification Sherloc (09022015). Collection method: clinical testing. Allele origin: germline.
Comment: This sequence change replaces aspartic acid, which is acidic and polar, with glycine, which is neutral and non-polar, at codon 1848 of the CEP290 protein (p.Asp1848Gly). This variant is present in population databases (rs563967678, gnomAD 0.007%). This variant has not been reported in the literature in individuals affected with CEP290-related conditions. ClinVar contains an entry for this variant (Variation ID: 310594). Algorithms developed to predict the effect of missense changes on protein structure and function (SIFT, PolyPhen-2, Align-GVGD) all suggest that this variant is likely to be tolerated. Algorithms developed to predict the effect of sequence changes on RNA splicing suggest that this variant may create or strengthen a splice site. In summary, the available evidence is currently insufficient to determine the role of this variant in disease. Therefore, it has been classified as a Variant of Uncertain Significance.

Illumina Laboratory Services, Illumina
Classification: Uncertain significance for Senior-Loken syndrome 6. Last evaluated: 2018-01-12. Review status: criteria provided, single submitter. Criteria: ICSL Variant Classification Criteria 13 December 2019. Collection method: clinical testing. Allele origin: germline.

Illumina Laboratory Services, Illumina
Classification: Uncertain significance for Bardet-Biedl syndrome 14. Last evaluated: 2018-01-12. Review status: criteria provided, single submitter. Criteria: ICSL Variant Classification Criteria 13 December 2019. Collection method: clinical testing. Allele origin: germline.

Illumina Laboratory Services, Illumina
Classification: Uncertain significance for Leber congenital amaurosis 10. Last evaluated: 2018-01-12. Review status: criteria provided, single submitter. Criteria: ICSL Variant Classification Criteria 13 December 2019. Collection method: clinical testing. Allele origin: germline.

Illumina Laboratory Services, Illumina
Classification: Uncertain significance for Meckel syndrome, type 4. Last evaluated: 2018-01-12. Review status: criteria provided, single submitter. Criteria: ICSL Variant Classification Criteria 13 December 2019. Collection method: clinical testing. Allele origin: germline.

Illumina Laboratory Services, Illumina
Classification: Uncertain significance for Joubert syndrome 5. Last evaluated: 2018-01-12. Review status: criteria provided, single submitter. Criteria: ICSL Variant Classification Criteria 13 December 2019. Collection method: clinical testing. Allele origin: germline.

PreventionGenetics, part of Exact Sciences
Classification: Uncertain significance for CEP290-related condition. Last evaluated: 2024-04-14. Review status: no assertion criteria provided. Collection method: clinical testing. Allele origin: germline. Not counted in ClinVar's aggregate classification.
Comment: The CEP290 c.5543A>G variant is predicted to result in the amino acid substitution p.Asp1848Gly. To our knowledge, this variant has not been reported in the literature. This variant is reported in 0.0072% of alleles in individuals of Latino descent in gnomAD. At this time, the clinical significance of this variant is uncertain due to the absence of conclusive functional and genetic evidence.

Natera, Inc.
Classification: Uncertain significance for Leber congenital amaurosis. Last evaluated: 2019-10-28. Review status: no assertion criteria provided. Collection method: clinical testing. Allele origin: germline. Not counted in ClinVar's aggregate classification.

NM_025114.4(CEP290):c.5543A>G (p.Asp1848Gly)

Gene: CEP290 (centrosomal protein 290; minus strand). Cytogenetic location: 12q21.32.
Variant type: single nucleotide variant.
Coding change: c.5543A>G on transcript NM_025114.4 (MANE Select); coding-DNA position 5543, A replaced by G.
Protein change: p.Asp1848Gly; replaces aspartic acid 1848 with glycine.
Molecular consequence: missense variant.
Genome position (GRCh38, 1-based): chr12:88,077,740, T>C on the plus strand (A>G on the coding strand, the complement: CEP290 is on the minus strand). VCF-style: chr12-88077740-T-C. GRCh37 (hg19) VCF-style: chr12-88471517-T-C.
Other names: short protein forms D1848G.
Identifiers: ClinVar variation 310594 (VCV000310594.11), dbSNP rs563967678, ClinGen allele CA6711702.